The following is an entry in ClinVar:

ClinVar aggregate classification (germline): Uncertain significance. Review status: criteria provided, multiple submitters, no conflicts (2 of 4 stars). 4 submissions from 4 submitters: Uncertain significance (4). Last evaluated 2026-02-11.

Conditions:
Noonan syndrome-like disorder with loose anagen hair 2 (NSLH2). Identifiers: MedGen C4479577, MONDO:0054588, OMIM 617506.
Cardiovascular phenotype. Identifiers: MedGen CN230736.

Allele frequency attached by ClinVar (database versions not stated): gnomAD exomes below 0.00001; TOPMed below 0.00001; ExAC 0.00002.
gnomAD v4.1: 3 of 1,611,080 alleles (0.00019%); highest among the groups gnomAD compares: Non-Finnish European, 0.00025%; no homozygotes.

Submissions (4):

St. Jude Molecular Pathology, St. Jude Children's Research Hospital
Classification: Uncertain significance for Noonan syndrome-like disorder with loose anagen hair 2. Last evaluated: 2026-02-11. Review status: criteria provided, single submitter. Criteria: St. Jude Assertion Criteria 2020. Collection method: clinical testing. Allele origin: germline.
Comment: The PPP1CB c.943G>A p.(Val315Ile) missense change has a maximum subpopulation frequency of 0.0009% in gnomAD v2.1.1. The in silico tool REVEL predicts a benign effect on protein function, but to our knowledge this prediction has not been confirmed by functional studies. To our knowledge, this variant has not been repo rted in individuals with PPP1CB- associated conditions. In summary, the evidence currently available is insufficient to determine the clinical significance of this variant. It has therefore been classified as of uncertain significance.

Labcorp Genetics (formerly Invitae), Labcorp
Classification: Uncertain significance. Last evaluated: 2025-05-21. Review status: criteria provided, single submitter. Criteria: Invitae Variant Classification Sherloc (09022015). Collection method: clinical testing. Allele origin: germline.
Comment: This sequence change replaces valine, which is neutral and non-polar, with isoleucine, which is neutral and non-polar, at codon 315 of the PPP1CB protein (p.Val315Ile). This variant is present in population databases (rs748608614, gnomAD 0.0009%). This variant has not been reported in the literature in individuals affected with PPP1CB-related conditions. ClinVar contains an entry for this variant (Variation ID: 2964846). An algorithm developed to predict the effect of missense changes on protein structure and function (PolyPhen-2) suggests that this variant is likely to be tolerated. In summary, the available evidence is currently insufficient to determine the role of this variant in disease. Therefore, it has been classified as a Variant of Uncertain Significance.

Ambry Genetics
Classification: Uncertain significance for Cardiovascular phenotype. Last evaluated: 2023-10-23. Review status: criteria provided, single submitter. Criteria: Ambry Variant Classification Scheme 2023. Collection method: clinical testing. Allele origin: germline.
Comment: The p.V315I variant (also known as c.943G>A), located in coding exon 8 of the PPP1CB gene, results from a G to A substitution at nucleotide position 943. The valine at codon 315 is replaced by isoleucine, an amino acid with highly similar properties. This amino acid position is conserved. In addition, this alteration is predicted to be tolerated by in silico analysis. Since supporting evidence is limited at this time, the clinical significance of this alteration remains unclear.

Blueprint Genetics
Classification: Uncertain significance. Last evaluated: 2021-09-07. Review status: criteria provided, single submitter. Criteria: ACMG Guidelines, 2015. Collection method: clinical testing. Allele origin: germline.

NM_002709.3(PPP1CB):c.943G>A (p.Val315Ile)

Gene: PPP1CB (protein phosphatase 1 catalytic subunit beta; plus strand). Cytogenetic location: 2p23.2.
Variant type: single nucleotide variant.
Coding change: c.943G>A on transcript NM_002709.3 (MANE Select); coding-DNA position 943, G replaced by A.
Protein change: p.Val315Ile; replaces valine 315 with isoleucine.
Molecular consequence: missense variant.
Genome position (GRCh38, 1-based): chr2:28,799,262, G>A. VCF-style: chr2-28799262-G-A. GRCh37 (hg19) VCF-style: chr2-29022128-G-A.
Other names: c.943G>A (NM_206876.1); c.943G>A, p.Val315Ile (NM_206876.2); short protein forms V315I.
Identifiers: ClinVar variation 2964846 (VCV002964846.6), dbSNP rs748608614, ClinGen allele CA1589347.